The following is an entry in ClinVar:

NM_014141.6(CNTNAP2):c.479G>T (p.Arg160Leu)

Gene: CNTNAP2 (contactin associated protein 2; plus strand). Cytogenetic location: 7q35.
Variant type: single nucleotide variant.
Coding change: c.479G>T on transcript NM_014141.6 (MANE Select); coding-DNA position 479, G replaced by T.
Protein change: p.Arg160Leu; replaces arginine 160 with leucine.
Molecular consequence: missense variant.
Genome position (GRCh38, 1-based): chr7:147,043,983, G>T. VCF-style: chr7-147043983-G-T. GRCh37 (hg19) VCF-style: chr7-146741075-G-T.
Other names: short protein forms R160L.
Identifiers: ClinVar variation 1038357 (VCV001038357.12), dbSNP rs138738227, ClinGen allele CA369923545.

ClinVar aggregate classification (germline): Uncertain significance. Review status: criteria provided, multiple submitters, no conflicts (2 of 4 stars). 2 submissions from 2 submitters: Uncertain significance (2). Last evaluated 2021-07-01.

Conditions:
Cortical dysplasia-focal epilepsy syndrome (PTHSL1). Also called: Pitt-Hopkins-like syndrome 1. Identifiers: Orphanet 163681, Orphanet 221150, MedGen C2750246, MONDO:0012400, OMIM 610042.

gnomAD v4.1: 2 of 1,614,166 alleles (0.00012%); highest among the groups gnomAD compares: South Asian, 0.0022%; no homozygotes.

Submissions (2):

Blueprint Genetics
Classification: Uncertain significance. Last evaluated: 2021-07-01. Review status: criteria provided, single submitter. Criteria: ACMG Guidelines, 2015. Collection method: clinical testing. Allele origin: germline.

Labcorp Genetics (formerly Invitae), Labcorp
Classification: Uncertain significance for Cortical dysplasia-focal epilepsy syndrome. Last evaluated: 2020-02-02. Review status: criteria provided, single submitter. Criteria: Invitae Variant Classification Sherloc (09022015). Collection method: clinical testing. Allele origin: germline.
Comment: In summary, the available evidence is currently insufficient to determine the role of this variant in disease. Therefore, it has been classified as a Variant of Uncertain Significance. Algorithms developed to predict the effect of missense changes on protein structure and function are either unavailable or do not agree on the potential impact of this missense change (SIFT: "Deleterious"; PolyPhen-2: "Probably Damaging"; Align-GVGD: "Class C0"). This variant has not been reported in the literature in individuals with CNTNAP2-related conditions. This variant is not present in population databases (ExAC no frequency). This sequence change replaces arginine with leucine at codon 160 of the CNTNAP2 protein (p.Arg160Leu). The arginine residue is moderately conserved and there is a moderate physicochemical difference between arginine and leucine.